The following is an entry in ClinVar:

ClinVar aggregate classification (germline): Likely benign (1 of 4 stars; one submission).

gnomAD v4.1: 29 of 1,603,750 alleles (0.0018%); highest among the groups gnomAD compares: East Asian, 0.0022%; no homozygotes.

Submission:

CeGaT Center for Human Genetics Tuebingen
Classification: Likely benign. Last evaluated: 2025-01-01. Review status: criteria provided, single submitter. Criteria: CeGaT Center For Human Genetics Tuebingen Variant Classification Criteria Version 2. Collection method: clinical testing. Allele origin: germline. Affected: yes. Observed: 1 variant allele.
Comment: TECTA: BP4, BP7

NM_005422.4(TECTA):c.2901G>A (p.Ala967=)

Genes: TBCEL-TECTA (TBCEL-TECTA readthrough; plus strand), TECTA (tectorin alpha; plus strand), LOC126861365 (P300/CBP strongly-dependent group 1 enhancer GRCh37_chr11:121000154-121001353; plus strand). Cytogenetic location: 11q23.3.
Variant type: single nucleotide variant.
Coding change: c.2901G>A on transcript NM_005422.4 (MANE Select); coding-DNA position 2901, G replaced by A.
Protein change: p.Ala967=; no amino-acid change (alanine 967 retained).
Molecular consequence: synonymous variant.
Genome position (GRCh38, 1-based): chr11:121,130,171, G>A. VCF-style: chr11-121130171-G-A. GRCh37 (hg19) VCF-style: chr11-121000880-G-A.
Other names: c.3858G>A, p.Ala1286= (NM_001378761.1).
Identifiers: ClinVar variation 3771684 (VCV003771684.13).
Genomic context (GRCh38, chr11:121,130,171, plus strand): 5'-GGGCAATGAGTCAGAGCTCTGTGACTCTGTGGCCCGGTATGCAAGCGCCTGCAAGAATGC[G>A]GACGTGGAGGTGGGGCCCTGGCGGACCTATGACTTCTGCCGTAAGTTGGGGTTGGATTCT-3'
Protein context (NP_005413.2, residues 957-977): VARYASACKN[Ala967=]DVEVGPWRTY